The following is an entry in ClinVar:

ClinVar aggregate classification (germline): Uncertain significance (1 of 4 stars; one submission).

Conditions:
Hereditary insensitivity to pain with anhidrosis (CIPA). Also called: INSENSITIVITY TO PAIN, CONGENITAL, WITH ANHIDROSIS; hereditary sensory and autonomic neuropathy type 4; HSAN Type IV; NEUROPATHY, CONGENITAL SENSORY, WITH ANHIDROSIS; NTRK1 Congenital Insensitivity to Pain with Anhidrosis; FAMILIAL DYSAUTONOMIA, TYPE II. Identifiers: Orphanet 642, MedGen C0020074, MONDO:0009746, OMIM 256800.

Allele frequency attached by ClinVar (database versions not stated): gnomAD exomes 0.00002; ExAC 0.00004; gnomAD 0.00004; TOPMed 0.00006; ESP Exome Variant Server 0.00023.
gnomAD v4.1: 20 of 1,610,268 alleles (0.0012%); highest among the groups gnomAD compares: African/African-American, 0.0067%; no homozygotes.

Submission:

Labcorp Genetics (formerly Invitae), Labcorp
Classification: Uncertain significance for Hereditary insensitivity to pain with anhidrosis. Last evaluated: 2022-08-16. Review status: criteria provided, single submitter. Criteria: Invitae Variant Classification Sherloc (09022015). Collection method: clinical testing. Allele origin: germline.
Comment: This sequence change replaces proline, which is neutral and non-polar, with leucine, which is neutral and non-polar, at codon 285 of the NTRK1 protein (p.Pro285Leu). This variant is present in population databases (rs141483265, gnomAD 0.02%). This variant has not been reported in the literature in individuals affected with NTRK1-related conditions. ClinVar contains an entry for this variant (Variation ID: 1388127). Advanced modeling of protein sequence and biophysical properties (such as structural, functional, and spatial information, amino acid conservation, physicochemical variation, residue mobility, and thermodynamic stability) performed at Invitae indicates that this missense variant is expected to disrupt NTRK1 protein function. In summary, the available evidence is currently insufficient to determine the role of this variant in disease. Therefore, it has been classified as a Variant of Uncertain Significance.

NM_002529.4(NTRK1):c.854C>T (p.Pro285Leu)

Gene: NTRK1 (neurotrophic receptor tyrosine kinase 1; plus strand). Cytogenetic location: 1q23.1.
Variant type: single nucleotide variant.
Coding change: c.854C>T on transcript NM_002529.4 (MANE Select); coding-DNA position 854, C replaced by T.
Protein change: p.Pro285Leu; replaces proline 285 with leucine.
Molecular consequence: missense variant.
Genome position (GRCh38, 1-based): chr1:156,873,636, C>T. VCF-style: chr1-156873636-C-T. GRCh37 (hg19) VCF-style: chr1-156843428-C-T.
Other names: c.764C>T, p.Pro255Leu (NM_001007792.1); c.854C>T, p.Pro285Leu (NM_001012331.2); short protein forms P285L, P255L.
Identifiers: ClinVar variation 1388127 (VCV001388127.5), dbSNP rs141483265, ClinGen allele CA1169132.